The following is an entry in ClinVar:

NM_024757.5(EHMT1):c.512C>A (p.Thr171Lys)

Gene: EHMT1 (euchromatic histone lysine methyltransferase 1; plus strand). Cytogenetic location: 9q34.3.
Variant type: single nucleotide variant.
Coding change: c.512C>A on transcript NM_024757.5 (MANE Select); coding-DNA position 512, C replaced by A.
Protein change: p.Thr171Lys; replaces threonine 171 with lysine.
Molecular consequence: missense variant.
Genome position (GRCh38, 1-based): chr9:137,717,052, C>A. VCF-style: chr9-137717052-C-A. GRCh37 (hg19) VCF-style: chr9-140611504-C-A.
Other names: c.512C>A, p.Thr171Lys (NM_001145527.2, NM_001354263.2, NM_001354611.2); c.419C>A, p.Thr140Lys (NM_001354259.2, NM_001354612.2); short protein forms T140K, T171K.
Identifiers: ClinVar variation 2659834 (VCV002659834.24), dbSNP rs374127714, ClinGen allele CA375765488.

ClinVar aggregate classification (germline): Likely benign (1 of 4 stars; one submission).

gnomAD v4.1: 2 of 1,606,816 alleles (0.00012%); highest among the groups gnomAD compares: Non-Finnish European, 0.00017%; no homozygotes.

Submission:

CeGaT Center for Human Genetics Tuebingen
Classification: Likely benign. Last evaluated: 2023-02-01. Review status: criteria provided, single submitter. Criteria: CeGaT Center For Human Genetics Tuebingen Variant Classification Criteria Version 2. Collection method: clinical testing. Allele origin: germline. Affected: yes. Observed: 1 variant allele.
Comment: EHMT1: BP4, BS2